The following is an entry in ClinVar:

NM_000138.5(FBN1):c.7454-90A>G

Gene: FBN1 (fibrillin 1; minus strand). Cytogenetic location: 15q21.1.
Variant type: single nucleotide variant.
Coding change: c.7454-90A>G on transcript NM_000138.5 (MANE Select); 90 bases into the intron before coding-DNA position 7454, A replaced by G.
Molecular consequence: intron variant.
Genome position (GRCh38, 1-based): chr15:48,422,158, T>C on the plus strand (A>G on the coding strand, the complement: FBN1 is on the minus strand). VCF-style: chr15-48422158-T-C. GRCh37 (hg19) VCF-style: chr15-48714355-T-C.
Identifiers: ClinVar variation 675831 (VCV000675831.1), dbSNP rs116817789, ClinGen allele CA269519938.

ClinVar aggregate classification (germline): Likely benign (1 of 4 stars; one submission).

Allele frequency attached by ClinVar (database versions not stated): gnomAD 0.00498 and 0.00548; 1000 Genomes Project 0.00539; TOPMed 0.00558; 1000 Genomes Project 30x 0.00578.
gnomAD v4.1: 1,098 of 871,820 alleles (0.13%); highest among the groups gnomAD compares: African/African-American, 1.7%; 8 homozygotes.

Submission:

GeneDx
Classification: Likely benign. Last evaluated: 2018-06-16. Review status: criteria provided, single submitter. Criteria: GeneDx Variant Classification (06012015). Collection method: clinical testing. Allele origin: germline. Affected: yes.
Comment: This variant is considered likely benign or benign based on one or more of the following criteria: it is a conservative change, it occurs at a poorly conserved position in the protein, it is predicted to be benign by multiple in silico algorithms, and/or has population frequency not consistent with disease.